The following is an entry in ClinVar:

NM_001792.5(CDH2):c.2216T>G (p.Val739Gly)

Gene: CDH2 (cadherin 2; minus strand). Cytogenetic location: 18q12.1.
Variant type: single nucleotide variant.
Coding change: c.2216T>G on transcript NM_001792.5 (MANE Select); coding-DNA position 2216, T replaced by G.
Protein change: p.Val739Gly; replaces valine 739 with glycine.
Molecular consequence: missense variant.
Genome position (GRCh38, 1-based): chr18:27,983,077, A>C on the plus strand (T>G on the coding strand, the complement: CDH2 is on the minus strand). VCF-style: chr18-27983077-A-C. GRCh37 (hg19) VCF-style: chr18-25563041-A-C.
Other names: c.2123T>G, p.Val708Gly (NM_001308176.2); short protein forms V708G, V739G.
Identifiers: ClinVar variation 3687445 (VCV003687445.2).
Genomic context (GRCh38, chr18:27,983,077, plus strand): 5'-AAAAGTTGTTTGGCCTGGCGTTCTTTATCCCGGCGTTTCATCCATACCACAAACATCAGC[A>C]CAAGGACTAGGTAGAAAAATAGTAAAAATACATAATATTGTCATTTTTAAAGCCTGGCCT-3'
Protein context (NP_001783.2, residues 729-749): LLCIIILLIL[Val739Gly]LMFVVWMKRR

ClinVar aggregate classification (germline): Uncertain significance (1 of 4 stars; one submission).

gnomAD v4.1: 2 of 1,608,810 alleles (0.00012%); highest among the groups gnomAD compares: African/African-American, 0.0013%; no homozygotes.

Submission:

Labcorp Genetics (formerly Invitae), Labcorp
Classification: Uncertain significance. Last evaluated: 2024-02-16. Review status: criteria provided, single submitter. Criteria: Invitae Variant Classification Sherloc (09022015). Collection method: clinical testing. Allele origin: germline.
Comment: This sequence change replaces valine, which is neutral and non-polar, with glycine, which is neutral and non-polar, at codon 739 of the CDH2 protein (p.Val739Gly). This variant is present in population databases (no rsID available, gnomAD 0.007%). This variant has not been reported in the literature in individuals affected with CDH2-related conditions. An algorithm developed to predict the effect of missense changes on protein structure and function (PolyPhen-2) suggests that this variant is likely to be disruptive. In summary, the available evidence is currently insufficient to determine the role of this variant in disease. Therefore, it has been classified as a Variant of Uncertain Significance.